The following is an entry in ClinVar:

ClinVar aggregate classification (germline): Uncertain significance (1 of 4 stars; one submission).

Allele frequency attached by ClinVar (database versions not stated): gnomAD exomes 0.00001.
gnomAD v4.1: 7 of 1,590,376 alleles (0.00044%); highest among the groups gnomAD compares: Non-Finnish European, 0.0006%; no homozygotes.

Submission:

Labcorp Genetics (formerly Invitae), Labcorp
Classification: Uncertain significance. Last evaluated: 2021-08-31. Review status: criteria provided, single submitter. Criteria: Invitae Variant Classification Sherloc (09022015). Collection method: clinical testing. Allele origin: germline.
Comment: This sequence change replaces alanine with valine at codon 2583 of the CDH23 protein (p.Ala2583Val). The alanine residue is highly conserved and there is a small physicochemical difference between alanine and valine. This variant is not present in population databases (ExAC no frequency). This variant has not been reported in the literature in individuals affected with CDH23-related conditions. Algorithms developed to predict the effect of missense changes on protein structure and function are either unavailable or do not agree on the potential impact of this missense change (SIFT: "Deleterious"; PolyPhen-2: "Not Available"; Align-GVGD: "Class C0"). In summary, the available evidence is currently insufficient to determine the role of this variant in disease. Therefore, it has been classified as a Variant of Uncertain Significance.

NM_022124.6(CDH23):c.7748C>T (p.Ala2583Val)

Gene: CDH23 (cadherin related 23; plus strand). Cytogenetic location: 10q22.1.
Variant type: single nucleotide variant.
Coding change: c.7748C>T on transcript NM_022124.6 (MANE Select); coding-DNA position 7748, C replaced by T.
Protein change: p.Ala2583Val; replaces alanine 2583 with valine.
Molecular consequence: missense variant.
Genome position (GRCh38, 1-based): chr10:71,803,296, C>T. VCF-style: chr10-71803296-C-T. GRCh37 (hg19) VCF-style: chr10-73563053-C-T.
Other names: c.1028C>T, p.Ala343Val (NM_001171933.1, NM_001171934.1); short protein forms A343V, A2583V.
Identifiers: ClinVar variation 1463468 (VCV001463468.5), dbSNP rs1235030095, ClinGen allele CA377161308.